The following is an entry in ClinVar:

ClinVar aggregate classification (germline): Uncertain significance (1 of 4 stars; one submission).

Conditions:
Immunodeficiency 39 (IMD39). Identifiers: Orphanet 574918, MedGen C4225358, MONDO:0014597, OMIM 616345.

Allele frequency attached by ClinVar (database versions not stated): gnomAD exomes below 0.00001; TOPMed below 0.00001.
gnomAD v4.1: 1 of 1,612,900 alleles (0.000062%); highest among the groups gnomAD compares: South Asian, 0.0011%; no homozygotes.

Submission:

Labcorp Genetics (formerly Invitae), Labcorp
Classification: Uncertain significance for Immunodeficiency 39. Last evaluated: 2022-07-30. Review status: criteria provided, single submitter. Criteria: Invitae Variant Classification Sherloc (09022015). Collection method: clinical testing. Allele origin: germline.
Comment: This sequence change replaces leucine, which is neutral and non-polar, with proline, which is neutral and non-polar, at codon 231 of the IRF7 protein (p.Leu231Pro). This variant is not present in population databases (gnomAD no frequency). This variant has not been reported in the literature in individuals affected with IRF7-related conditions. Algorithms developed to predict the effect of missense changes on protein structure and function output the following: SIFT: "Deleterious"; PolyPhen-2: "Benign"; Align-GVGD: "Class C0". The proline amino acid residue is found in multiple mammalian species, which suggests that this missense change does not adversely affect protein function. In summary, the available evidence is currently insufficient to determine the role of this variant in disease. Therefore, it has been classified as a Variant of Uncertain Significance.

NM_001572.5(IRF7):c.653T>C (p.Leu218Pro)

Gene: IRF7 (interferon regulatory factor 7; minus strand). Cytogenetic location: 11p15.5.
Variant type: single nucleotide variant.
Coding change: c.653T>C on transcript NM_001572.5 (MANE Select); coding-DNA position 653, T replaced by C.
Protein change: p.Leu218Pro; replaces leucine 218 with proline.
Molecular consequence: missense variant.
Genome position (GRCh38, 1-based): chr11:614,200, A>G on the plus strand (T>C on the coding strand, the complement: IRF7 is on the minus strand). VCF-style: chr11-614200-A-G. GRCh37 (hg19) VCF-style: chr11-614200-A-G.
Other names: c.653T>C, p.Leu218Pro (NM_004029.4); c.692T>C, p.Leu231Pro (NM_004031.4); short protein forms L231P, L218P.
Identifiers: ClinVar variation 1979914 (VCV001979914.4), dbSNP rs1856672840, ClinGen allele CA378981397.